The following is an entry in ClinVar:

NM_001127198.5(TMC6):c.2022-3C>T

Gene: TMC6 (transmembrane channel like 6; minus strand). Cytogenetic location: 17q25.3.
Variant type: single nucleotide variant.
Coding change: c.2022-3C>T on transcript NM_001127198.5 (MANE Select); 3 bases into the intron before coding-DNA position 2022, C replaced by T.
Molecular consequence: intron variant.
Genome position (GRCh38, 1-based): chr17:78,117,647, G>A on the plus strand (C>T on the coding strand, the complement: TMC6 is on the minus strand). VCF-style: chr17-78117647-G-A. GRCh37 (hg19) VCF-style: chr17-76113728-G-A.
Other names: c.1842-3C>T (NM_001374594.1, NM_001374593.1); c.2022-3C>T (NM_001374596.1, NM_007267.7, NM_001321185.1 and 2 more transcripts).
Identifiers: ClinVar variation 1432917 (VCV001432917.6), dbSNP rs1363065689, ClinGen allele CA502391571.

ClinVar aggregate classification (germline): Uncertain significance (1 of 4 stars; one submission).

Conditions:
Epidermodysplasia verruciformis. Identifiers: Orphanet 302, MedGen C0014522, MONDO:0009176.

Allele frequency attached by ClinVar (database versions not stated): gnomAD 0.00001; gnomAD exomes 0.00001; TOPMed 0.00001.
gnomAD v4.1: 6 of 1,566,462 alleles (0.00038%); highest among the groups gnomAD compares: Non-Finnish European, 0.00052%; no homozygotes.

Submission:

Labcorp Genetics (formerly Invitae), Labcorp
Classification: Uncertain significance for Epidermodysplasia verruciformis. Last evaluated: 2023-12-06. Review status: criteria provided, single submitter. Criteria: Invitae Variant Classification Sherloc (09022015). Collection method: clinical testing. Allele origin: germline.
Comment: This sequence change falls in intron 16 of the TMC6 gene. It does not directly change the encoded amino acid sequence of the TMC6 protein. It affects a nucleotide within the consensus splice site. The frequency data for this variant in the population databases is considered unreliable, as metrics indicate poor data quality at this position in the gnomAD database. This variant has not been reported in the literature in individuals affected with TMC6-related conditions. ClinVar contains an entry for this variant (Variation ID: 1432917). Variants that disrupt the consensus splice site are a relatively common cause of aberrant splicing (PMID: 17576681, 9536098). Algorithms developed to predict the effect of sequence changes on RNA splicing suggest that this variant is not likely to affect RNA splicing. In summary, the available evidence is currently insufficient to determine the role of this variant in disease. Therefore, it has been classified as a Variant of Uncertain Significance.

Literature cited by the submitters: PubMed 17576681; PubMed 9536098.